The following is an entry in ClinVar:

ClinVar aggregate classification (germline): Uncertain significance. Review status: criteria provided, multiple submitters, no conflicts (2 of 4 stars). 7 submissions from 7 submitters: Uncertain significance (6). 1 of the submissions does not count toward it. Last evaluated 2026-05-28.

Conditions:
Classic homocystinuria. Also called: Homocystinuria due to Cystathionine Beta-Synthase Deficiency; HOMOCYSTINURIA WITH OR WITHOUT RESPONSE TO PYRIDOXINE; Homocystinuria due to CBS deficiency; Cystathionine beta-synthase deficiency; CBS deficiency. Identifiers: Orphanet 394, MedGen C0751202, MONDO:0009352, OMIM 236200.
HYPERHOMOCYSTEINEMIA, THROMBOTIC, CBS-RELATED. Identifiers: MedGen C3150344, OMIM 236200.
Familial thoracic aortic aneurysm and aortic dissection (TAAD). Also called: Thoracic aortic aneurysms and dissections. Identifiers: Orphanet 91387, MedGen C4707243, MONDO:0019625.

Allele frequency attached by ClinVar (database versions not stated): ExAC 0.00002; gnomAD 0.00008; gnomAD exomes 0.00002.

Submissions (7):

Ambry Genetics
Classification: Uncertain significance for Familial thoracic aortic aneurysm and aortic dissection. Last evaluated: 2026-05-28. Review status: criteria provided, single submitter. Criteria: Ambry Variant Classification Scheme 2023. Collection method: clinical testing. Allele origin: germline.
Comment: The p.E283K variant (also known as c.847G>A), located in coding exon 8 of the CBS gene, results from a G to A substitution at nucleotide position 847. The glutamic acid at codon 283 is replaced by lysine, an amino acid with similar properties. This amino acid position is well conserved in available vertebrate species. In addition, this alteration is predicted to be deleterious by in silico analysis. Based on the available evidence, the clinical significance of this variant remains unclear.

GeneDx
Classification: Uncertain significance. Last evaluated: 2024-02-01. Review status: criteria provided, single submitter. Criteria: GeneDx Variant Classification Process June 2021. Collection method: clinical testing. Allele origin: germline. Affected: yes.
Comment: Not observed at significant frequency in large population cohorts (gnomAD); In silico analysis, which includes protein predictors and evolutionary conservation, supports that this variant does not alter protein structure/function; Has not been previously published as pathogenic or benign to our knowledge; In silico analysis suggests this variant may impact gene splicing. In the absence of RNA/functional studies, the actual effect of this sequence change is unknown.

Mayo Clinic Laboratories, Mayo Clinic
Classification: Uncertain significance. Last evaluated: 2023-11-02. Review status: criteria provided, single submitter. Criteria: ACMG Guidelines, 2015. Collection method: clinical testing. Allele origin: germline. Observed: 1 variant allele.

Labcorp Genetics (formerly Invitae), Labcorp
Classification: Uncertain significance for HYPERHOMOCYSTEINEMIA, THROMBOTIC, CBS-RELATED. Last evaluated: 2022-03-22. Review status: criteria provided, single submitter. Criteria: Invitae Variant Classification Sherloc (09022015). Collection method: clinical testing. Allele origin: germline.
Comment: This sequence change replaces glutamic acid, which is acidic and polar, with lysine, which is basic and polar, at codon 283 of the CBS protein (p.Glu283Lys). This variant is present in population databases (rs765811825, gnomAD 0.007%). This variant has not been reported in the literature in individuals affected with CBS-related conditions. ClinVar contains an entry for this variant (Variation ID: 560232). Algorithms developed to predict the effect of missense changes on protein structure and function (SIFT, PolyPhen-2, Align-GVGD) all suggest that this variant is likely to be tolerated. Algorithms developed to predict the effect of sequence changes on RNA splicing suggest that this variant may create or strengthen a splice site. In summary, the available evidence is currently insufficient to determine the role of this variant in disease. Therefore, it has been classified as a Variant of Uncertain Significance.

Fulgent Genetics
Classification: Uncertain significance for Classic homocystinuria. Last evaluated: 2021-12-02. Review status: criteria provided, single submitter. Criteria: ACMG Guidelines, 2015. Collection method: clinical testing. Allele origin: unknown.

Geisinger Autism and Developmental Medicine Institute, Geisinger Health System
Classification: Uncertain significance for Classic homocystinuria. Last evaluated: 2017-10-06. Review status: criteria provided, single submitter. Criteria: ACMG Guidelines, 2015. Collection method: provider interpretation, clinical testing. Allele origin: paternal. Affected: no. Observed: 1 variant allele.
Comment: The p.Glu283Lys variant is present in the ExAC SE Asian population at a frequency of 0.0071%. Computational prediction models are inconsistent. Subsequent clinical testing showed normal plasma homocysteine and methionine levels.

Natera, Inc.
Classification: Uncertain significance for Homocystinuria due to cystathionine beta-synthase deficiency. Last evaluated: 2019-10-28. Review status: no assertion criteria provided. Collection method: clinical testing. Allele origin: germline. Not counted in ClinVar's aggregate classification.

NM_000071.3(CBS):c.847G>A (p.Glu283Lys)

Gene: CBS (cystathionine beta-synthase; minus strand). Cytogenetic location: 21q22.3.
Variant type: single nucleotide variant.
Coding change: c.847G>A on transcript NM_000071.3 (MANE Select); coding-DNA position 847, G replaced by A.
Protein change: p.Glu283Lys; replaces glutamic acid 283 with lysine.
Molecular consequence: missense variant.
Genome position (GRCh38, 1-based): chr21:43,063,060, C>T on the plus strand (G>A on the coding strand, the complement: CBS is on the minus strand). VCF-style: chr21-43063060-C-T. GRCh37 (hg19) VCF-style: chr21-44483170-C-T.
Other names: p.Glu283Lys; c.847G>A, p.Glu283Lys (NM_001178008.3, NM_001178009.3, NM_001320298.2); c.532G>A, p.Glu178Lys (NM_001321072.1); short protein forms E283K, E178K.
Identifiers: ClinVar variation 560232 (VCV000560232.15), dbSNP rs765811825, ClinGen allele CA321091525.
Genomic context (GRCh38, chr21:43,063,060, plus strand): 5'-CCTCGTAGGTTGTCTGCTCCGTCTGGTTCAGCTCCTCCGGCTCTGCGAGGATGGACCCTT[C>T]GGGATCCACCCCAATGATCTGCAGAGGGCGCGGCTTCAGGGCTCAAGGCCAGCAAAAGCC-3'
Protein context (NP_000062.1, residues 273-293): PGCRIIGVDP[Glu283Lys]GSILAEPEEL